The following is an entry in ClinVar:

ClinVar aggregate classification (germline): Uncertain significance (1 of 4 stars; one submission).

Conditions:
Agammaglobulinemia 2, autosomal recessive (AGM2). Also called: AGAMMAGLOBULINEMIA, AUTOSOMAL RECESSIVE, DUE TO IGLL1 DEFECT. Identifiers: MedGen C3150750, MONDO:0013287, OMIM 613500.

Submission:

Labcorp Genetics (formerly Invitae), Labcorp
Classification: Uncertain significance for Agammaglobulinemia 2, autosomal recessive. Last evaluated: 2025-08-07. Review status: criteria provided, single submitter. Criteria: Invitae Variant Classification Sherloc (09022015). Collection method: clinical testing. Allele origin: germline.
Comment: This sequence change creates a premature translational stop signal (p.Thr5Glyfs*3) in the IGLL1 gene. It is expected to result in an absent or disrupted protein product. However, the current clinical and genetic evidence is not sufficient to establish whether loss-of-function variants in IGLL1 cause disease. This variant is present in population databases (no rsID available, gnomAD 0.002%). This variant has not been reported in the literature in individuals affected with IGLL1-related conditions. In summary, the available evidence is currently insufficient to determine the role of this variant in disease. Therefore, it has been classified as a Variant of Uncertain Significance.

NM_020070.4(IGLL1):c.13_23del (p.Thr5fs)

Gene: IGLL1 (immunoglobulin lambda like polypeptide 1; minus strand). Cytogenetic location: 22q11.23.
Variant type: Deletion.
Coding change: c.13_23del on transcript NM_020070.4 (MANE Select); coding-DNA positions 13 to 23, 11 bases deleted (ACAGGCCAGGG).
Protein change: p.Thr5fs; shifts the reading frame from threonine 5.
Molecular consequence: frameshift variant.
Genome position (GRCh38, 1-based): chr22:23,580,168-23,580,178, CCCTGGCCTGT deleted on the plus strand (ACAGGCCAGGG on the coding strand, the reverse complement: IGLL1 is on the minus strand); deleting any 11 consecutive bases within chr22:23,580,168-23,580,187 gives the same sequence; the c. name uses the placement nearest the transcript's 3' end. VCF-style (leftmost placement, unchanged base first): chr22-23580167-CCCCTGGCCTGT-C. GRCh37 (hg19) VCF-style: chr22-23922354-CCCCTGGCCTGT-C.
Other names: c.13_23del, p.Thr5fs (NM_001369906.1, NM_152855.3); short protein forms T5fs.
Identifiers: ClinVar variation 4724999 (VCV004724999.1).